The following is an entry in ClinVar:

NM_001142800.2(EYS):c.8233+9G>A

Gene: EYS (EGF-like photoreceptor maintenance factor; minus strand). Cytogenetic location: 6q12.
Variant type: single nucleotide variant.
Coding change: c.8233+9G>A on transcript NM_001142800.2 (MANE Select); 9 bases into the intron after coding-DNA position 8233, G replaced by A.
Molecular consequence: intron variant.
Genome position (GRCh38, 1-based): chr6:63,726,510, C>T on the plus strand (G>A on the coding strand, the complement: EYS is on the minus strand). VCF-style: chr6-63726510-C-T. GRCh37 (hg19) VCF-style: chr6-64436403-C-T.
Other names: c.8296+9G>A (NM_001292009.2); c.8233+9G>A (NM_001142800.1).
Identifiers: ClinVar variation 990438 (VCV000990438.11), dbSNP rs779154270, ClinGen allele CA140237391.

ClinVar aggregate classification (germline): Likely benign. Review status: criteria provided, multiple submitters, no conflicts (2 of 4 stars). 4 submissions from 4 submitters: Likely benign (3). 1 of the submissions does not count toward it. Last evaluated 2026-01-18.

Conditions:
Autosomal recessive retinitis pigmentosa. Identifiers: MedGen C0339526.
EYS-related disorder. Also called: EYS-related condition.

Allele frequency attached by ClinVar (database versions not stated): gnomAD exomes 0.00001 and 0.00014; TOPMed 0.00006; gnomAD 0.00007.
gnomAD v4.1: 194 of 1,544,406 alleles (0.013%); highest among the groups gnomAD compares: Non-Finnish European, 0.016%; no homozygotes.

Submissions (4):

Labcorp Genetics (formerly Invitae), Labcorp
Classification: Likely benign. Last evaluated: 2026-01-18. Review status: criteria provided, single submitter. Criteria: Invitae Variant Classification Sherloc (09022015). Collection method: clinical testing. Allele origin: germline.

PreventionGenetics, part of Exact Sciences
Classification: Likely benign for EYS-related condition. Last evaluated: 2025-03-05. Review status: criteria provided, single submitter. Criteria: ACMG Guidelines, 2015. Collection method: clinical testing. Allele origin: germline.
Comment: This variant is classified as likely benign based on ACMG/AMP sequence variant interpretation guidelines (Richards et al. 2015 PMID: 25741868, with internal and published modifications).

Blueprint Genetics
Classification: Likely benign. Last evaluated: 2024-10-03. Review status: criteria provided, single submitter. Criteria: ACMG Guidelines, 2015. Collection method: clinical testing. Allele origin: germline.

Natera, Inc.
Classification: Uncertain significance for Autosomal recessive retinitis pigmentosa. Last evaluated: 2020-08-29. Review status: no assertion criteria provided. Collection method: clinical testing. Allele origin: germline. Not counted in ClinVar's aggregate classification.